The following is an entry in ClinVar:

ClinVar aggregate classification (germline): Pathogenic. Review status: criteria provided, multiple submitters, no conflicts (2 of 4 stars). 2 submissions from 2 submitters: Pathogenic (2). Last evaluated 2026-01-06.

Submissions (2):

GeneDx
Classification: Pathogenic. Last evaluated: 2026-01-06. Review status: criteria provided, single submitter. Criteria: GeneDx Variant Classification Process June 2021. Collection method: clinical testing. Allele origin: germline. Affected: yes.
Comment: Nonsense variant predicted to result in protein truncation or nonsense mediated decay in a gene for which loss of function is a known mechanism of disease; Has not been previously published as pathogenic or benign to our knowledge; Not observed at significant frequency in large population cohorts (gnomAD)

Labcorp Genetics (formerly Invitae), Labcorp
Classification: Pathogenic. Last evaluated: 2025-11-13. Review status: criteria provided, single submitter. Criteria: Invitae Variant Classification Sherloc (09022015). Collection method: clinical testing. Allele origin: germline.
Comment: This sequence change creates a premature translational stop signal (p.Gln1112*) in the COL2A1 gene. It is expected to result in an absent or disrupted protein product. Loss-of-function variants in COL2A1 are known to be pathogenic (PMID: 20179744). This variant is not present in population databases (gnomAD no frequency). This variant has not been reported in the literature in individuals affected with COL2A1-related conditions. ClinVar contains an entry for this variant (Variation ID: 1676359). For these reasons, this variant has been classified as Pathogenic.

Literature cited by the submitters: PubMed 20179744 (cited by Labcorp Genetics (formerly Invitae), Labcorp).

NM_001844.5(COL2A1):c.3334C>T (p.Gln1112Ter)

Gene: COL2A1 (collagen type II alpha 1 chain; minus strand). Cytogenetic location: 12q13.11.
Variant type: single nucleotide variant.
Coding change: c.3334C>T on transcript NM_001844.5 (MANE Select); coding-DNA position 3334, C replaced by T.
Protein change: p.Gln1112Ter; replaces glutamine 1112 with a stop codon.
Molecular consequence: nonsense.
Genome position (GRCh38, 1-based): chr12:47,976,913, G>A on the plus strand (C>T on the coding strand, the complement: COL2A1 is on the minus strand). VCF-style: chr12-47976913-G-A. GRCh37 (hg19) VCF-style: chr12-48370696-G-A.
Other names: c.3127C>T, p.Gln1043Ter (NM_033150.3); short protein forms Q1043*, Q1112*.
Identifiers: ClinVar variation 1676359 (VCV001676359.4), dbSNP rs2136518839, ClinGen allele CA384539214.
Genomic context (GRCh38, chr12:47,976,913, plus strand): 5'-GTCCCTTCAGGCCTCTCTCGCCAGGCTCTCCAGCCTCTCCTTTGTCACCTCTGGGGCCTT[G>A]AGGACCCTGGGAACAAGACAGACACCGATTGAGTCAGGTCAGGGCCAGGACAGGAGCCCC-3'